The following is an entry in ClinVar:

NM_006363.6(SEC23B):c.873del (p.Phe291fs)

Gene: SEC23B (SEC23 homolog B, COPII component; plus strand). Cytogenetic location: 20p11.23.
Variant type: Deletion.
Coding change: c.873del on transcript NM_006363.6 (MANE Select); coding-DNA position 873, one base deleted (T; older notation c.873delT).
Protein change: p.Phe291fs; shifts the reading frame from phenylalanine 291.
Molecular consequence: frameshift variant.
Genome position (GRCh38, 1-based): chr20:18,526,411, T deleted; the last of 3 consecutive T bases (chr20:18,526,409-18,526,411); deleting any one gives the same sequence. VCF-style (leftmost placement, unchanged base first): chr20-18526408-GT-G. GRCh37 (hg19) VCF-style: chr20-18507052-GT-G.
Other names: c.873del, p.Phe291fs (NM_001172745.3, NM_032985.6, NM_032986.5); c.819del, p.Phe273fs (NM_001172746.3); short protein forms F273fs, F291fs.
Identifiers: ClinVar variation 2922469 (VCV002922469.3), dbSNP rs2517475167, ClinGen allele CA2740097033.

ClinVar aggregate classification (germline): Pathogenic (1 of 4 stars; one submission).

Conditions:
Congenital dyserythropoietic anemia, type II (CDAN2). Also called: DYSERYTHROPOIETIC ANEMIA, HEMPAS TYPE. Identifiers: Orphanet 98873, MedGen C1306589, MONDO:0009134, OMIM 224100.
Cowden syndrome 7 (CWS7). Identifiers: Orphanet 201, MedGen C4225179, MONDO:0014802, OMIM 616858.

Submission:

Labcorp Genetics (formerly Invitae), Labcorp
Classification: Pathogenic for Congenital dyserythropoietic anemia, type II; Cowden syndrome 7. Last evaluated: 2024-01-26. Review status: criteria provided, single submitter. Criteria: Invitae Variant Classification Sherloc (09022015). Collection method: clinical testing. Allele origin: germline.
Comment: This sequence change creates a premature translational stop signal (p.Phe291Leufs*18) in the SEC23B gene. It is expected to result in an absent or disrupted protein product. Loss-of-function variants in SEC23B are known to be pathogenic (PMID: 19561605, 25044164). This variant is not present in population databases (gnomAD no frequency). This variant has not been reported in the literature in individuals affected with SEC23B-related conditions. For these reasons, this variant has been classified as Pathogenic.

Literature cited by the submitters: PubMed 19561605; PubMed 25044164.